The following is an entry in ClinVar:

NM_001256545.2(MEGF10):c.481_659+98del

Gene: MEGF10 (multiple EGF like domains 10; plus strand). Cytogenetic location: 5q23.2.
Variant type: Deletion.
Coding change: c.481_659+98del on transcript NM_001256545.2 (MANE Select); coding-DNA position 481 through 98 bases into the intron after coding-DNA position 659, 277 bases deleted.
Molecular consequence: splice donor variant.
Genome position (GRCh38, 1-based): chr5:127,396,600-127,396,876, 277 bases deleted. GRCh37 (hg19): chr5:126,732,292-126,732,568.
Other names: c.481_659+98del (NM_032446.3, NM_001308119.2, NM_001308121.2).
Identifiers: ClinVar variation 3723068 (VCV003723068.2).

ClinVar aggregate classification (germline): Likely pathogenic (1 of 4 stars; one submission).

Conditions:
MEGF10-related myopathy (CMYO10A). Also called: Congenital myopathy 10A, severe variant. Identifiers: Orphanet 439212, MedGen C3280679, MONDO:0013731, OMIM 614399.

Submission:

Labcorp Genetics (formerly Invitae), Labcorp
Classification: Likely pathogenic for MEGF10-related myopathy. Last evaluated: 2024-10-16. Review status: criteria provided, single submitter. Criteria: Invitae Variant Classification Sherloc (09022015). Collection method: clinical testing. Allele origin: germline.
Comment: This variant results in the deletion of part of exon 7 (c.481_659+98del) of the MEGF10 gene. It is expected to disrupt RNA splicing. Variants that disrupt the donor or acceptor splice site typically lead to a loss of protein function (PMID: 16199547), and loss-of-function variants in MEGF10 are known to be pathogenic (PMID: 22101682, 22371254, 23453856, 23954233). This variant is not present in population databases (gnomAD no frequency). This variant has not been reported in the literature in individuals affected with MEGF10-related conditions. In summary, the currently available evidence indicates that the variant is pathogenic, but additional data are needed to prove that conclusively. Therefore, this variant has been classified as Likely Pathogenic.

Literature cited by the submitters: PubMed 16199547; PubMed 22101682; PubMed 22371254; PubMed 23453856; PubMed 23954233.